The following is an entry in ClinVar:

ClinVar aggregate classification (germline): Uncertain significance (1 of 4 stars; one submission).

Allele frequency attached by ClinVar (database versions not stated): ExAC 0.00001; gnomAD exomes 0.00001; gnomAD 0.00007; TOPMed 0.00012; ESP Exome Variant Server 0.00015.
gnomAD v4.1: 23 of 1,613,600 alleles (0.0014%); highest among the groups gnomAD compares: African/African-American, 0.028%; no homozygotes.

Submission:

Labcorp Genetics (formerly Invitae), Labcorp
Classification: Uncertain significance. Last evaluated: 2022-04-23. Review status: criteria provided, single submitter. Criteria: Invitae Variant Classification Sherloc (09022015). Collection method: clinical testing. Allele origin: germline.
Comment: This sequence change replaces alanine, which is neutral and non-polar, with valine, which is neutral and non-polar, at codon 585 of the TTC37 protein (p.Ala585Val). This variant is present in population databases (rs142153866, gnomAD 0.008%). This variant has not been reported in the literature in individuals affected with TTC37-related conditions. Algorithms developed to predict the effect of missense changes on protein structure and function are either unavailable or do not agree on the potential impact of this missense change (SIFT: "Tolerated"; PolyPhen-2: "Possibly Damaging"; Align-GVGD: "Class C0"). In summary, the available evidence is currently insufficient to determine the role of this variant in disease. Therefore, it has been classified as a Variant of Uncertain Significance.

NM_014639.4(SKIC3):c.1754C>T (p.Ala585Val)

Gene: SKIC3 (SKI3 subunit of superkiller complex; minus strand). Cytogenetic location: 5q15.
Variant type: single nucleotide variant.
Coding change: c.1754C>T on transcript NM_014639.4 (MANE Select); coding-DNA position 1754, C replaced by T.
Protein change: p.Ala585Val; replaces alanine 585 with valine.
Molecular consequence: missense variant.
Genome position (GRCh38, 1-based): chr5:95,523,205, G>A on the plus strand (C>T on the coding strand, the complement: SKIC3 is on the minus strand). VCF-style: chr5-95523205-G-A. GRCh37 (hg19) VCF-style: chr5-94858909-G-A.
Other names: short protein forms A585V.
Identifiers: ClinVar variation 2190370 (VCV002190370.1), dbSNP rs142153866, ClinGen allele CA3347259.